The following is an entry in ClinVar:

ClinVar aggregate classification (germline): Pathogenic (1 of 4 stars; one submission).

Conditions:
X-linked Alport syndrome (ATS1). Also called: NEPHROPATHY AND DEAFNESS, X-LINKED; COL4A5-Related Nephropathy. Identifiers: Orphanet 63, Orphanet 88917, MedGen C4746986, MONDO:0010520, OMIM 301050.

Submission:

Institute of Rare Diseases, West China Hospital, Sichuan University
Classification: Pathogenic for X-linked Alport syndrome. Last evaluated: 2025-01-09. Review status: criteria provided, single submitter. Criteria: ClinGen HL ACMG Specifications v1. Collection method: research. Allele origin: germline. Affected: yes.
Comment: PVS1;PM3_Supporting;PM2_Supporting

NM_033380.3(COL4A5):c.1669_1672del (p.Lys557fs)

Gene: COL4A5 (collagen type IV alpha 5 chain; plus strand). Cytogenetic location: Xq22.3.
Variant type: Deletion.
Coding change: c.1669_1672del on transcript NM_033380.3 (MANE Select); coding-DNA positions 1669 to 1672, 4 bases deleted (AAGG; older notation c.1669_1672delAAGG).
Protein change: p.Lys557fs; shifts the reading frame from lysine 557.
Molecular consequence: frameshift variant.
Genome position (GRCh38, 1-based): chrX:108,597,458-108,597,461, AAGG deleted; deleting any 4 consecutive bases within chrX:108,597,457-108,597,461 gives the same sequence; the c. name uses the placement nearest the transcript's 3' end. VCF-style (leftmost placement, unchanged base first): chrX-108597456-TGAAG-T. GRCh37 (hg19) VCF-style: chrX-107840686-TGAAG-T.
Other names: c.1669_1672del, p.Lys557fs (NM_000495.5); short protein forms K557fs.
Identifiers: ClinVar variation 3601068 (VCV003601068.1).